The following is an entry in ClinVar:

ClinVar aggregate classification (germline): Uncertain significance (1 of 4 stars; one submission).

Conditions:
Hyperprolinemia type 2 (HYRPRO2). Also called: Deficiency of pyrroline-5-carboxylate reductase; Delta-1-pyrroline-5-carboxylate dehydrogenase deficiency; 1-PYRROLINE-5-CARBOXYLATE DEHYDROGENASE DEFICIENCY. Identifiers: Orphanet 79101, MedGen C2931835, MONDO:0009401, OMIM 239510.

Submission:

Labcorp Genetics (formerly Invitae), Labcorp
Classification: Uncertain significance for Hyperprolinemia type 2. Last evaluated: 2020-09-24. Review status: criteria provided, single submitter. Criteria: Invitae Variant Classification Sherloc (09022015). Collection method: clinical testing. Allele origin: germline.
Comment: This sequence change replaces leucine with phenylalanine at codon 354 of the ALDH4A1 protein (p.Leu354Phe). The leucine residue is highly conserved and there is a small physicochemical difference between leucine and phenylalanine. This variant is not present in population databases (ExAC no frequency). This variant has not been reported in the literature in individuals with ALDH4A1-related conditions. Algorithms developed to predict the effect of missense changes on protein structure and function are either unavailable or do not agree on the potential impact of this missense change (SIFT: "Deleterious"; PolyPhen-2: "Probably Damaging"; Align-GVGD: "Class C0"). In summary, the available evidence is currently insufficient to determine the role of this variant in disease. Therefore, it has been classified as a Variant of Uncertain Significance.

NM_003748.4(ALDH4A1):c.1060C>T (p.Leu354Phe)

Gene: ALDH4A1 (aldehyde dehydrogenase 4 family member A1; minus strand). Cytogenetic location: 1p36.13.
Variant type: single nucleotide variant.
Coding change: c.1060C>T on transcript NM_003748.4 (MANE Select); coding-DNA position 1060, C replaced by T.
Protein change: p.Leu354Phe; replaces leucine 354 with phenylalanine.
Molecular consequence: missense variant.
Genome position (GRCh38, 1-based): chr1:18,877,493, G>A on the plus strand (C>T on the coding strand, the complement: ALDH4A1 is on the minus strand). VCF-style: chr1-18877493-G-A. GRCh37 (hg19) VCF-style: chr1-19203987-G-A.
Other names: c.880C>T, p.Leu294Phe (NM_001161504.2); c.1060C>T, p.Leu354Phe (NM_001319218.2, NM_170726.3); short protein forms L294F, L354F.
Identifiers: ClinVar variation 1001946 (VCV001001946.9), dbSNP rs766376495, ClinGen allele CA338750971.